The following is an entry in ClinVar:

ClinVar aggregate classification (germline): Uncertain significance. Review status: criteria provided, multiple submitters, no conflicts (2 of 4 stars). 2 submissions from 2 submitters: Uncertain significance (2). Last evaluated 2025-05-14.

Conditions:
Inborn genetic diseases. Identifiers: MedGen C0950123, MeSH D030342.

Allele frequency attached by ClinVar (database versions not stated): gnomAD exomes below 0.00001; TOPMed below 0.00001.
gnomAD v4.1: 2 of 1,613,046 alleles (0.00012%); highest among the groups gnomAD compares: Admixed American, 0.0017%; no homozygotes.

Submissions (2):

Ambry Genetics
Classification: Uncertain significance for Inborn genetic diseases. Last evaluated: 2025-05-14. Review status: criteria provided, single submitter. Criteria: Ambry Variant Classification Scheme 2023. Collection method: clinical testing. Allele origin: germline.

Labcorp Genetics (formerly Invitae), Labcorp
Classification: Uncertain significance. Last evaluated: 2022-06-24. Review status: criteria provided, single submitter. Criteria: Invitae Variant Classification Sherloc (09022015). Collection method: clinical testing. Allele origin: germline.
Comment: This sequence change replaces asparagine, which is neutral and polar, with serine, which is neutral and polar, at codon 365 of the DMXL2 protein (p.Asn365Ser). This variant is present in population databases (no rsID available, gnomAD 0.003%). This variant has not been reported in the literature in individuals affected with DMXL2-related conditions. Algorithms developed to predict the effect of missense changes on protein structure and function are either unavailable or do not agree on the potential impact of this missense change (SIFT: "Deleterious"; PolyPhen-2: "Benign"; Align-GVGD: "Class C0"). In summary, the available evidence is currently insufficient to determine the role of this variant in disease. Therefore, it has been classified as a Variant of Uncertain Significance.

NM_001378457.1(DMXL2):c.1094A>G (p.Asn365Ser)

Gene: DMXL2 (Dmx like 2; minus strand). Cytogenetic location: 15q21.2.
Variant type: single nucleotide variant.
Coding change: c.1094A>G on transcript NM_001378457.1 (MANE Select); coding-DNA position 1094, A replaced by G.
Protein change: p.Asn365Ser; replaces asparagine 365 with serine.
Molecular consequence: missense variant. On other transcripts: non-coding transcript variant (2).
Genome position (GRCh38, 1-based): chr15:51,542,344, T>C on the plus strand (A>G on the coding strand, the complement: DMXL2 is on the minus strand). VCF-style: chr15-51542344-T-C. GRCh37 (hg19) VCF-style: chr15-51834541-T-C.
Other names: c.1094A>G, p.Asn365Ser (NM_001174116.3, NM_001174117.3, NM_001378458.1 and 7 more transcripts); c.1094A>G (NM_001174116.1); short protein forms N365S.
Identifiers: ClinVar variation 1936292 (VCV001936292.3), dbSNP rs750370027, ClinGen allele CA270611869.
Genomic context (GRCh38, chr15:51,542,344, plus strand): 5'-ATTTACCTGACTTCAACATATTTATGGGAAATAAAACTTTATCCTTTACCTGTGGCAGGG[T>C]TGATGCTTGCTGCAATATGAAAATGACAGAGTGCATTTGCATGGTGGGAAATGTGTCTTT-3'
Protein context (NP_001365386.1, residues 355-375): LCHFHIAASI[Asn365Ser]PATDIPNVLV